The following is an entry in ClinVar:

ClinVar aggregate classification (germline): Uncertain significance (1 of 4 stars; one submission).

Conditions:
Hereditary cancer-predisposing syndrome. Also called: Tumor predisposition; Hereditary Cancer Syndrome; Hereditary neoplastic syndrome; Neoplastic Syndromes, Hereditary. Identifiers: Orphanet 140162, MedGen C0027672, MeSH D009386, MONDO:0015356.

Submission:

Ambry Genetics
Classification: Uncertain significance for Hereditary cancer-predisposing syndrome. Last evaluated: 2023-06-25. Review status: criteria provided, single submitter. Criteria: Ambry Variant Classification Scheme 2023. Collection method: clinical testing. Allele origin: germline.
Comment: The p.S151R variant (also known as c.453C>A), located in coding exon 5 of the MAX gene, results from a C to A substitution at nucleotide position 453. The serine at codon 151 is replaced by arginine, an amino acid with dissimilar properties. This amino acid position is conserved. In addition, this alteration is predicted to be tolerated by in silico analysis. Since supporting evidence is limited at this time, the clinical significance of this alteration remains unclear.

NM_002382.5(MAX):c.453C>A (p.Ser151Arg)

Gene: MAX (MYC associated transcriptional regulator X; minus strand). Cytogenetic location: 14q23.3.
Variant type: single nucleotide variant.
Coding change: c.453C>A on transcript NM_002382.5 (MANE Select); coding-DNA position 453, C replaced by A.
Protein change: p.Ser151Arg; replaces serine 151 with arginine.
Molecular consequence: missense variant. On other transcripts: 3 prime UTR variant (12), non-coding transcript variant (7), intron variant (2).
Genome position (GRCh38, 1-based): chr14:65,076,506, G>T on the plus strand (C>A on the coding strand, the complement: MAX is on the minus strand). VCF-style: chr14-65076506-G-T. GRCh37 (hg19) VCF-style: chr14-65543224-G-T.
Other names: c.264C>A, p.Ser88Arg (NM_001320415.2, NM_001407105.1, NM_001407106.1 and 1 more transcripts); c.453C>A, p.Ser151Arg (NM_001407094.1); c.426C>A, p.Ser142Arg (NM_001407095.1, NM_145112.3); c.*226C>A (NM_001407096.1, NM_001407099.1, NM_001407102.1 and 2 more transcripts); c.*242C>A (NM_001407097.1, NM_001407100.1, NM_001407101.1 and 4 more transcripts); c.345C>A, p.Ser115Arg (NM_001407098.1); c.252C>A, p.Ser84Arg (NM_001407111.1, NM_001407112.1); c.144+17202C>A (NM_001271069.2); and 1 more; short protein forms S115R, S88R, S142R, S151R, S84R.
Identifiers: ClinVar variation 2587741 (VCV002587741.2), dbSNP rs2139739351, ClinGen allele CA390031225.
Genomic context (GRCh38, chr14:65,076,506, plus strand): 5'-AGTTTTTATTGCTGGCCTGCCCCGAGTGGCTTAGCTGGCCTCCATCCGGAGCTTCTTCCT[G>T]CTTTGGGGCTCTTCAGGCTCAGACTCCGAGCTGGAGTCCGAGCCCCCATCGAAGGCAGAG-3'
Protein context (NP_002373.3, residues 141-160): SSESEPEEPQ[Ser151Arg]RKKLRMEAS